The following is an entry in ClinVar:

NM_080476.5(PIGU):c.382C>T (p.Arg128Trp)

Gene: PIGU (phosphatidylinositol glycan anchor biosynthesis class U; minus strand). Cytogenetic location: 20q11.22.
Variant type: single nucleotide variant.
Coding change: c.382C>T on transcript NM_080476.5 (MANE Select); coding-DNA position 382, C replaced by T.
Protein change: p.Arg128Trp; replaces arginine 128 with tryptophan.
Molecular consequence: missense variant.
Genome position (GRCh38, 1-based): chr20:34,637,922, G>A on the plus strand (C>T on the coding strand, the complement: PIGU is on the minus strand). VCF-style: chr20-34637922-G-A. GRCh37 (hg19) VCF-style: chr20-33225726-G-A.
Other names: short protein forms R128W.
Identifiers: ClinVar variation 2168087 (VCV002168087.5), dbSNP rs781451334, ClinGen allele CA9822691.

ClinVar aggregate classification (germline): Uncertain significance. Review status: criteria provided, multiple submitters, no conflicts (2 of 4 stars). 2 submissions from 2 submitters: Uncertain significance (2). Last evaluated 2026-01-04.

Allele frequency attached by ClinVar (database versions not stated): gnomAD 0.00002; gnomAD exomes 0.00002; ExAC 0.00004; TOPMed 0.00005.
gnomAD v4.1: 29 of 1,609,420 alleles (0.0018%); highest among the groups gnomAD compares: South Asian, 0.0044%; no homozygotes.

Submissions (2):

Labcorp Genetics (formerly Invitae), Labcorp
Classification: Uncertain significance. Last evaluated: 2026-01-04. Review status: criteria provided, single submitter. Criteria: Invitae Variant Classification Sherloc (09022015). Collection method: clinical testing. Allele origin: germline.
Comment: This sequence change replaces arginine, which is basic and polar, with tryptophan, which is neutral and slightly polar, at codon 128 of the PIGU protein (p.Arg128Trp). This variant is present in population databases (rs781451334, gnomAD 0.005%). This variant has not been reported in the literature in individuals affected with PIGU-related conditions. ClinVar contains an entry for this variant (Variation ID: 2168087). An algorithm developed to predict the effect of missense changes on protein structure and function (PolyPhen-2) suggests that this variant is likely to be disruptive. In summary, the available evidence is currently insufficient to determine the role of this variant in disease. Therefore, it has been classified as a Variant of Uncertain Significance.

Clinical Genetics Laboratory, Skane University Hospital Lund
Classification: Uncertain significance. Last evaluated: 2022-11-28. Review status: criteria provided, single submitter. Criteria: ACMG Guidelines, 2015. Collection method: clinical testing. Allele origin: germline. Affected: yes.